The following is an entry in ClinVar:

ClinVar aggregate classification (germline): Uncertain significance. Review status: criteria provided, multiple submitters, no conflicts (2 of 4 stars). 2 submissions from 2 submitters: Uncertain significance (2). Last evaluated 2023-06-14.

Conditions:
Autosomal recessive limb-girdle muscular dystrophy type 2L (LGMDR12). Also called: MUSCULAR DYSTROPHY, LIMB-GIRDLE, AUTOSOMAL RECESSIVE 12; Limb-girdle muscular dystrophy, type 2L; Limb-Girdle Muscular Dystrophy R12 Anoctamin-5-Related (LGMD-R12). Identifiers: Orphanet 206549, MedGen C1969785, MONDO:0012652, OMIM 611307.
Gnathodiaphyseal dysplasia (GDD). Also called: GNATHODIAPHYSEAL SCLEROSIS; OSTEOGENESIS IMPERFECTA WITH UNUSUAL SKELETAL LESIONS. Identifiers: Orphanet 53697, MedGen C1833736, MONDO:0008151, OMIM 166260.

Allele frequency attached by ClinVar (database versions not stated): gnomAD exomes below 0.00001 and 0.00005; TOPMed below 0.00001; gnomAD 0.00001.
gnomAD v4.1: 75 of 1,611,560 alleles (0.0047%); highest among the groups gnomAD compares: Non-Finnish European, 0.0059%; no homozygotes.

Submissions (2):

Revvity Omics, Revvity
Classification: Uncertain significance. Last evaluated: 2023-06-14. Review status: criteria provided, single submitter. Criteria: ACMG Guidelines, 2015. Collection method: clinical testing. Allele origin: germline.

Labcorp Genetics (formerly Invitae), Labcorp
Classification: Uncertain significance for Autosomal recessive limb-girdle muscular dystrophy type 2L; Gnathodiaphyseal dysplasia. Last evaluated: 2021-07-12. Review status: criteria provided, single submitter. Criteria: Invitae Variant Classification Sherloc (09022015). Collection method: clinical testing. Allele origin: germline.
Comment: This sequence change replaces aspartic acid with glycine at codon 88 of the ANO5 protein (p.Asp88Gly). The aspartic acid residue is moderately conserved and there is a moderate physicochemical difference between aspartic acid and glycine. This variant is not present in population databases (ExAC no frequency). This variant has not been reported in the literature in individuals with ANO5-related disease. Algorithms developed to predict the effect of missense changes on protein structure and function do not agree on the potential impact of this missense change (SIFT: "Tolerated"; PolyPhen-2: "Possibly Damaging"; Align-GVGD: "Class C0"). Algorithms developed to predict the effect of sequence changes on RNA splicing suggest that this variant may create or strengthen a splice site, but this prediction has not been confirmed by published transcriptional studies. In summary, the available evidence is currently insufficient to determine the role of this variant in disease. Therefore, it has been classified as a Variant of Uncertain Significance.

NM_213599.3(ANO5):c.263A>G (p.Asp88Gly)

Gene: ANO5 (anoctamin 5; plus strand). Cytogenetic location: 11p14.3.
Variant type: single nucleotide variant.
Coding change: c.263A>G on transcript NM_213599.3 (MANE Select); coding-DNA position 263, A replaced by G.
Protein change: p.Asp88Gly; replaces aspartic acid 88 with glycine.
Molecular consequence: missense variant.
Genome position (GRCh38, 1-based): chr11:22,221,179, A>G. VCF-style: chr11-22221179-A-G. GRCh37 (hg19) VCF-style: chr11-22242725-A-G.
Other names: c.260A>G, p.Asp87Gly (NM_001142649.2); short protein forms D88G, D87G.
Identifiers: ClinVar variation 574558 (VCV000574558.11), dbSNP rs1206860357, ClinGen allele CA379925455.